The following is an entry in ClinVar:

NM_000388.4(CASR):c.2565C>G (p.Asn855Lys)

Gene: CASR (calcium sensing receptor; plus strand). Cytogenetic location: 3q21.1.
Variant type: single nucleotide variant.
Coding change: c.2565C>G on transcript NM_000388.4 (MANE Select); coding-DNA position 2565, C replaced by G.
Protein change: p.Asn855Lys; replaces asparagine 855 with lysine.
Molecular consequence: missense variant.
Genome position (GRCh38, 1-based): chr3:122,284,519, C>G. VCF-style: chr3-122284519-C-G. GRCh37 (hg19) VCF-style: chr3-122003366-C-G.
Other names: c.2595C>G, p.Asn865Lys (NM_001178065.2); short protein forms N855K, N865K.
Identifiers: ClinVar variation 1718172 (VCV001718172.6), dbSNP rs760806852, ClinGen allele CA354160301.

ClinVar aggregate classification (germline): Uncertain significance (1 of 4 stars; one submission).

Conditions:
Familial hypocalciuric hypercalcemia (FHH). Also called: Familial benign hypercalcemia. Identifiers: Orphanet 405, MedGen C1809471, MONDO:0018458.
Autosomal dominant hypocalcemia 1 (HYPOC1). Also called: HYPOCALCEMIA, FAMILIAL. Identifiers: MedGen C3715128, MONDO:0011013, OMIM 601198.

Submission:

Labcorp Genetics (formerly Invitae), Labcorp
Classification: Uncertain significance for Familial hypocalciuric hypercalcemia; Autosomal dominant hypocalcemia 1. Last evaluated: 2022-08-27. Review status: criteria provided, single submitter. Criteria: Invitae Variant Classification Sherloc (09022015). Collection method: clinical testing. Allele origin: germline.
Comment: In summary, the available evidence is currently insufficient to determine the role of this variant in disease. Therefore, it has been classified as a Variant of Uncertain Significance. Algorithms developed to predict the effect of missense changes on protein structure and function are either unavailable or do not agree on the potential impact of this missense change (SIFT: "Deleterious"; PolyPhen-2: "Possibly Damaging"; Align-GVGD: "Class C0"). This variant has not been reported in the literature in individuals affected with CASR-related conditions. This variant is not present in population databases (gnomAD no frequency). This sequence change replaces asparagine, which is neutral and polar, with lysine, which is basic and polar, at codon 855 of the CASR protein (p.Asn855Lys).